The following is an entry in ClinVar:

ClinVar aggregate classification (germline): Conflicting classifications of pathogenicity. Review status: criteria provided, conflicting classifications (1 of 4 stars). 4 submissions from 4 submitters: Uncertain significance (2); Likely benign (2). Last evaluated 2025-06-18.

Conditions:
Episodic pain syndrome, familial, 2 (FEPS2). Identifiers: Orphanet 306577, MedGen C3809893, MONDO:0014246, OMIM 615551.
Brugada syndrome. Also called: Sudden unexplained nocturnal death syndrome; Sudden Unexplained Death Syndrome; Sudden Unexplained Nocturnal Death Syndrome (SUNDS); Sudden unexpected nocturnal death syndrome. Identifiers: Orphanet 130, MedGen C1142166, MONDO:0015263.
Cardiovascular phenotype. Identifiers: MedGen CN230736.

Allele frequency attached by ClinVar (database versions not stated): ESP Exome Variant Server 0.00008; gnomAD 0.00011; TOPMed 0.00015.
gnomAD v4.1: 76 of 1,613,618 alleles (0.0047%); highest among the groups gnomAD compares: African/African-American, 0.023%; no homozygotes.

Submissions (4):

Labcorp Genetics (formerly Invitae), Labcorp
Classification: Uncertain significance for Brugada syndrome. Last evaluated: 2025-06-18. Review status: criteria provided, single submitter. Criteria: Invitae Variant Classification Sherloc (09022015). Collection method: clinical testing. Allele origin: germline.
Comment: This sequence change replaces arginine, which is basic and polar, with tryptophan, which is neutral and slightly polar, at codon 756 of the SCN10A protein (p.Arg756Trp). This variant is present in population databases (rs374341474, gnomAD 0.03%). This missense change has been observed in individual(s) with a SCN10A-related condition (PMID: 29247119). ClinVar contains an entry for this variant (Variation ID: 532059). Invitae Evidence Modeling of protein sequence and biophysical properties (such as structural, functional, and spatial information, amino acid conservation, physicochemical variation, residue mobility, and thermodynamic stability) indicates that this missense variant is expected to disrupt SCN10A protein function with a positive predictive value of 80%. Experimental studies are conflicting or provide insufficient evidence to determine the effect of this variant on SCN10A function (PMID: 31195250). In summary, the available evidence is currently insufficient to determine the role of this variant in disease. Therefore, it has been classified as a Variant of Uncertain Significance.

Women's Health and Genetics/Laboratory Corporation of America, LabCorp
Classification: Likely benign. Last evaluated: 2024-04-09. Review status: criteria provided, single submitter. Criteria: LabCorp Variant Classification Summary - May 2015. Collection method: clinical testing. Allele origin: germline.
Comment: Variant summary: SCN10A c.2266C>T (p.Arg756Trp) results in a non-conservative amino acid change located in the Ion transport domain (IPR005821) of the encoded protein sequence. Five of five in-silico tools predict a damaging effect of the variant on protein function. The variant allele was found at a frequency of 5.6e-05 in 250520 control chromosomes. The observed variant frequency is approximately 9 fold of the estimated maximal expected allele frequency for a pathogenic variant in SCN10A causing Arrhythmia phenotype (6.3e-06), strongly suggesting that the variant is benign. c.2266C>T has been reported in the literature in at-least one individual affected with sudden unexplained death, however authors classified the variant as VUS (example: Lin_2017). This report does not provide unequivocal conclusions about association of the variant with Arrhythmia. At least one publication reports experimental evidence evaluating an impact on protein function, however, does not allow convincing conclusions about the variant effect (Gando_2019). The following publications have been ascertained in the context of this evaluation (PMID: 31195250, 29247119). ClinVar contains an entry for this variant (Variation ID: 532059). Based on the evidence outlined above, the variant was classified as likely benign.

Ambry Genetics
Classification: Likely benign for Cardiovascular phenotype. Last evaluated: 2021-02-18. Review status: criteria provided, single submitter. Criteria: Ambry Variant Classification Scheme 2023. Collection method: clinical testing. Allele origin: germline.

Fulgent Genetics
Classification: Uncertain significance for Episodic pain syndrome, familial, 2. Last evaluated: 2018-10-31. Review status: criteria provided, single submitter. Criteria: ACMG Guidelines, 2015. Collection method: clinical testing. Allele origin: unknown.

Literature cited by the submitters: PubMed 29247119 (cited by 3 submitters); PubMed 31195250 (cited by 3 submitters).

NM_006514.4(SCN10A):c.2266C>T (p.Arg756Trp)

Gene: SCN10A (sodium voltage-gated channel alpha subunit 10; minus strand). Cytogenetic location: 3p22.2.
Variant type: single nucleotide variant.
Coding change: c.2266C>T on transcript NM_006514.4 (MANE Select); coding-DNA position 2266, C replaced by T.
Protein change: p.Arg756Trp; replaces arginine 756 with tryptophan.
Molecular consequence: missense variant.
Genome position (GRCh38, 1-based): chr3:38,739,529, G>A on the plus strand (C>T on the coding strand, the complement: SCN10A is on the minus strand). VCF-style: chr3-38739529-G-A. GRCh37 (hg19) VCF-style: chr3-38781020-G-A.
Other names: c.2266C>T, p.Arg756Trp (NM_001293306.2); c.1972C>T, p.Arg658Trp (NM_001293307.2); short protein forms R756W, R658W.
Identifiers: ClinVar variation 532059 (VCV000532059.11), dbSNP rs374341474, ClinGen allele CA2320598.